The following is an entry in ClinVar:

NM_001457.4(FLNB):c.4548T>G (p.Asp1516Glu)

Gene: FLNB (filamin B; plus strand). Cytogenetic location: 3p14.3.
Variant type: single nucleotide variant.
Coding change: c.4548T>G on transcript NM_001457.4 (MANE Select); coding-DNA position 4548, T replaced by G.
Protein change: p.Asp1516Glu; replaces aspartic acid 1516 with glutamic acid.
Molecular consequence: missense variant.
Genome position (GRCh38, 1-based): chr3:58,134,649, T>G. VCF-style: chr3-58134649-T-G. GRCh37 (hg19) VCF-style: chr3-58120376-T-G.
Other names: c.4641T>G, p.Asp1547Glu (NM_001164317.2); c.4548T>G, p.Asp1516Glu (NM_001164318.2, NM_001164319.2); short protein forms D1516E, D1547E.
Identifiers: ClinVar variation 4801715 (VCV004801715.1).

ClinVar aggregate classification (germline): Uncertain significance (1 of 4 stars; one submission).

Submission:

Labcorp Genetics (formerly Invitae), Labcorp
Classification: Uncertain significance. Last evaluated: 2025-11-24. Review status: criteria provided, single submitter. Criteria: Invitae Variant Classification Sherloc (09022015). Collection method: clinical testing. Allele origin: germline.
Comment: This sequence change replaces aspartic acid, which is acidic and polar, with glutamic acid, which is acidic and polar, at codon 1516 of the FLNB protein (p.Asp1516Glu). This variant is not present in population databases (gnomAD no frequency). This variant has not been reported in the literature in individuals affected with FLNB-related conditions. Invitae Evidence Modeling of protein sequence and biophysical properties (such as structural, functional, and spatial information, amino acid conservation, physicochemical variation, residue mobility, and thermodynamic stability) indicates that this missense variant is not expected to disrupt FLNB protein function with a negative predictive value of 95%. Algorithms developed to predict the effect of sequence changes on RNA splicing suggest that this variant may disrupt the consensus splice site. In summary, the available evidence is currently insufficient to determine the role of this variant in disease. Therefore, it has been classified as a Variant of Uncertain Significance.